The following is an entry in ClinVar:

ClinVar aggregate classification (germline): Benign/Likely benign. Review status: criteria provided, multiple submitters, no conflicts (2 of 4 stars). 5 submissions from 5 submitters: Benign (2); Likely benign (3). Last evaluated 2025-12-13.

Conditions:
Hereditary cancer-predisposing syndrome. Also called: Hereditary Cancer Syndrome; Tumor predisposition; Neoplastic Syndromes, Hereditary; Hereditary neoplastic syndrome. Identifiers: Orphanet 140162, MedGen C0027672, MeSH D009386, MONDO:0015356.
Tuberous sclerosis 2 (TSC2). Identifiers: Orphanet 805, MedGen C1860707, MONDO:0013199, OMIM 613254.

gnomAD v4.1: 2 of 1,612,468 alleles (0.00012%); highest among the groups gnomAD compares: Non-Finnish European, 0.00017%; no homozygotes.

Submissions (5):

Labcorp Genetics (formerly Invitae), Labcorp
Classification: Likely benign for Tuberous sclerosis 2. Last evaluated: 2025-12-13. Review status: criteria provided, single submitter. Criteria: Invitae Variant Classification Sherloc (09022015). Collection method: clinical testing. Allele origin: germline.

Myriad Genetics, Inc.
Classification: Benign for Tuberous sclerosis 2. Last evaluated: 2025-06-03. Review status: criteria provided, single submitter. Criteria: Myriad Autosomal Dominant, Autosomal Recessive and X-Linked Classification Criteria (2023). Collection method: clinical testing. Allele origin: unknown.
Comment: This variant is considered benign. This variant is a silent/synonymous amino acid change and it is not expected to impact splicing.

Genome-Nilou Lab
Classification: Benign for Tuberous sclerosis 2. Last evaluated: 2021-11-07. Review status: criteria provided, single submitter. Criteria: ACMG Guidelines, 2015. Collection method: clinical testing. Allele origin: germline. Affected: no.

Ambry Genetics
Classification: Likely benign for Hereditary cancer-predisposing syndrome. Last evaluated: 2021-06-07. Review status: criteria provided, single submitter. Criteria: Ambry Variant Classification Scheme 2023. Collection method: clinical testing. Allele origin: germline.

CeGaT Center for Human Genetics Tuebingen
Classification: Likely benign. Last evaluated: 2019-11-01. Review status: criteria provided, single submitter. Criteria: CeGaT Center For Human Genetics Tuebingen Variant Classification Criteria Version 2. Collection method: clinical testing. Allele origin: germline. Affected: yes. Observed: 1 variant allele.

NM_000548.5(TSC2):c.4155C>T (p.Ser1385=)

Gene: TSC2 (TSC complex subunit 2; plus strand). Cytogenetic location: 16p13.3.
Variant type: single nucleotide variant.
Coding change: c.4155C>T on transcript NM_000548.5 (MANE Select); coding-DNA position 4155, C replaced by T.
Protein change: p.Ser1385=; no amino-acid change (serine 1385 retained).
Molecular consequence: synonymous variant.
Genome position (GRCh38, 1-based): chr16:2,084,377, C>T. VCF-style: chr16-2084377-C-T. GRCh37 (hg19) VCF-style: chr16-2134378-C-T.
Other names: c.3954C>T, p.Ser1318= (NM_001077183.3); c.4086C>T, p.Ser1362= (NM_001114382.3); c.3846C>T, p.Ser1282= (NM_001318827.2); c.3810C>T, p.Ser1270= (NM_001318829.2); c.3423C>T, p.Ser1141= (NM_001318831.2); c.3987C>T, p.Ser1329= (NM_001318832.2); c.3957C>T, p.Ser1319= (NM_001363528.2); c.4023C>T, p.Ser1341= (NM_001370404.1); and 1 more.
Identifiers: ClinVar variation 536081 (VCV000536081.53), dbSNP rs1057521540, ClinGen allele CA493043117.
Genomic context (GRCh38, chr16:2,084,377, plus strand): 5'-GGAGGGTGGCCGGCCCTCTGTGGACCTCTCCTTCCAGCCCTCGCAGCCCCTGAGCAAGTC[C>T]AGCTCCTCTCCCGAGCTGCAGACTCTGCAGGACATCCTCGGGGACCCTGGGGACAAGGCC-3'
Protein context (NP_000539.2, residues 1375-1395): SFQPSQPLSK[Ser1385=]SSSPELQTLQ